The following is an entry in ClinVar:

NM_004415.4(DSP):c.5866G>A (p.Glu1956Lys)

Gene: DSP (desmoplakin; plus strand). Cytogenetic location: 6p24.3.
Variant type: single nucleotide variant.
Coding change: c.5866G>A on transcript NM_004415.4 (MANE Select); coding-DNA position 5866, G replaced by A.
Protein change: p.Glu1956Lys; replaces glutamic acid 1956 with lysine.
Molecular consequence: missense variant.
Genome position (GRCh38, 1-based): chr6:7,583,128, G>A. VCF-style: chr6-7583128-G-A. GRCh37 (hg19) VCF-style: chr6-7583361-G-A.
Other names: c.4069G>A, p.Glu1357Lys (NM_001008844.3); c.4537G>A, p.Glu1513Lys (NM_001319034.2); short protein forms E1956K, E1357K, E1513K.
Identifiers: ClinVar variation 922314 (VCV000922314.5), dbSNP rs1759501739, ClinGen allele CA362689579.

ClinVar aggregate classification (germline): Uncertain significance (1 of 4 stars; one submission).

Conditions:
Cardiomyopathy (CMYO). Also called: Cardiomyopathies. Identifiers: Orphanet 167848, MedGen C0878544, MONDO:0004994, HP:0001638. Inheritance: Various modes of inheritance.

Submission:

Color Diagnostics, LLC DBA Color Health
Classification: Uncertain significance for Cardiomyopathy. Last evaluated: 2023-12-04. Review status: criteria provided, single submitter. Criteria: ACMG Guidelines, 2015. Collection method: clinical testing. Allele origin: germline.
Comment: Variant of Uncertain Significance due to insufficient evidence: This missense variant replaces glutamate with lysine at codon 1956 of the DSP protein. Computational prediction tools and conservation analyses are inconclusive regarding the impact of this variant on the protein function. Computational splicing tools suggest that this variant may not impact RNA splicing. To our knowledge, functional assays have not been performed for this variant nor has this variant been reported in individuals affected with cardiovascular disorders in the literature. This variant is rare in the general population and has been identified in 0/277264 chromosomes by the Genome Aggregation Database (gnomAD). Available evidence is insufficient to determine the pathogenicity of this variant conclusively.